The following is an entry in ClinVar:

ClinVar aggregate classification (germline): Benign. Review status: criteria provided, multiple submitters, no conflicts (2 of 4 stars). 3 submissions from 3 submitters: Benign (3). Last evaluated 2026-07-01.

Conditions:
Glycogen storage disease, type II (IOPD). Also called: CARDIOMEGALIA GLYCOGENICA DIFFUSA; GLYCOGENOSIS, GENERALIZED, CARDIAC FORM; GSD II; POMPE DISEASE, INFANTILE-ONSET; GLYCOGEN STORAGE DISEASE II, INFANTILE-ONSET; ACID ALPHA-GLUCOSIDASE DEFICIENCY, INFANTILE-ONSET. Identifiers: Orphanet 365, MedGen C0017921, MONDO:0009290, OMIM 232300.

Allele frequency attached by ClinVar (database versions not stated): 1000 Genomes Project 30x 0.15553; 1000 Genomes Project 0.15595; TOPMed 0.19496; gnomAD 0.19631 and 0.19773; gnomAD exomes 0.22307.
gnomAD v4.1: 47,759 of 231,226 alleles (21%); highest among the groups gnomAD compares: Non-Finnish European, 26%; 5,944 homozygotes.

Submissions (3):

Genomenon, Inc
Classification: Benign for Glycogen storage disease, type II. Last evaluated: 2026-07-01. Review status: criteria provided, single submitter. Criteria: Genomenon Sequence Variant Interpretation Standards - Updated. Collection method: curation. Allele origin: germline. Affected: no.
Comment: GAA c.*419G>T is a variant located in the 3′ untranslated region (3′ UTR). This variant is present at high allele frequency in population databases. We classify GAA c.*419G>T as a benign variant.

Illumina Laboratory Services, Illumina
Classification: Benign for Glycogen storage disease, type II. Last evaluated: 2018-01-13. Review status: criteria provided, single submitter. Criteria: ICSL Variant Classification Criteria 13 December 2019. Collection method: clinical testing. Allele origin: germline.
Comment: This variant was observed in the ICSL laboratory as part of a predisposition screen in an ostensibly healthy population. It had not been previously curated by ICSL or reported in the Human Gene Mutation Database (HGMD: prior to June 1st, 2018), and was therefore a candidate for classification through an automated scoring system. Utilizing variant allele frequency, disease prevalence and penetrance estimates, and inheritance mode, an automated score was calculated to assess if this variant is too frequent to cause the disease. Based on the score and internal cut-off values, a variant classified as benign is not then subjected to further curation. The score for this variant resulted in a classification of benign for this disease.

Breakthrough Genomics
Classification: Benign. Review status: criteria provided, single submitter. Criteria: ACMG Guidelines, 2015. Collection method: not provided. Allele origin: germline. Inheritance: Autosomal recessive inheritance. Affected: yes.

NM_000152.5(GAA):c.*419G>T

Gene: GAA (alpha glucosidase; plus strand). Cytogenetic location: 17q25.3.
Variant type: single nucleotide variant.
Coding change: c.*419G>T on transcript NM_000152.5 (MANE Select); 419 bases downstream of the stop codon, G replaced by T.
Molecular consequence: 3 prime UTR variant.
Genome position (GRCh38, 1-based): chr17:80,119,750, G>T. VCF-style: chr17-80119750-G-T. GRCh37 (hg19) VCF-style: chr17-78093549-G-T.
Other names: c.*419G>T (LRG_673t1, NM_001079803.3, NM_001079804.3).
Identifiers: ClinVar variation 325806 (VCV000325806.7), dbSNP rs7567, ClinGen allele CA10640886.